The following is an entry in ClinVar:

NM_025099.6(CTC1):c.1542A>G (p.Leu514=)

Gene: CTC1 (CST telomere replication complex component 1; minus strand). Cytogenetic location: 17p13.1.
Variant type: single nucleotide variant.
Coding change: c.1542A>G on transcript NM_025099.6 (MANE Select); coding-DNA position 1542, A replaced by G.
Protein change: p.Leu514=; no amino-acid change (leucine 514 retained).
Molecular consequence: synonymous variant. On other transcripts: non-coding transcript variant (1).
Genome position (GRCh38, 1-based): chr17:8,234,824, T>C on the plus strand (A>G on the coding strand, the complement: CTC1 is on the minus strand). VCF-style: chr17-8234824-T-C. GRCh37 (hg19) VCF-style: chr17-8138142-T-C.
Identifiers: ClinVar variation 1564306 (VCV001564306.11), dbSNP rs369802087, ClinGen allele CA287536029.

ClinVar aggregate classification (germline): Conflicting classifications of pathogenicity. Review status: criteria provided, conflicting classifications (1 of 4 stars). 4 submissions from 4 submitters: Uncertain significance (1); Likely benign (3). Last evaluated 2025-06-30.

Conditions:
Dyskeratosis congenita. Identifiers: Orphanet 1775, MedGen C0265965, MONDO:0015780.
CTC1-related disorder. Also called: CTC1-related condition.

Allele frequency attached by ClinVar (database versions not stated): gnomAD exomes 0.00001; TOPMed 0.00003; gnomAD 0.00004; ESP Exome Variant Server 0.00008.
gnomAD v4.1: 14 of 1,613,258 alleles (0.00087%); highest among the groups gnomAD compares: African/African-American, 0.004%; no homozygotes.

Submissions (4):

Labcorp Genetics (formerly Invitae), Labcorp
Classification: Likely benign for Dyskeratosis congenita. Last evaluated: 2025-06-30. Review status: criteria provided, single submitter. Criteria: Invitae Variant Classification Sherloc (09022015). Collection method: clinical testing. Allele origin: germline.

PreventionGenetics, part of Exact Sciences
Classification: Likely benign for CTC1-related condition. Last evaluated: 2025-05-06. Review status: criteria provided, single submitter. Criteria: ACMG Guidelines, 2015. Collection method: clinical testing. Allele origin: germline.
Comment: This variant is classified as likely benign based on ACMG/AMP sequence variant interpretation guidelines (Richards et al. 2015 PMID: 25741868, with internal and published modifications).

Blueprint Genetics
Classification: Likely benign. Last evaluated: 2024-04-05. Review status: criteria provided, single submitter. Criteria: ACMG Guidelines, 2015. Collection method: clinical testing. Allele origin: germline.

Sema4
Classification: Uncertain significance for Dyskeratosis congenita. Last evaluated: 2021-04-07. Review status: criteria provided, single submitter. Criteria: Sema4 Curation Guidelines. Collection method: curation. Allele origin: germline.
Comment: The CTC1 c.1542A>G (p.L514=) variant has not been reported in the literature to our knowledge. It was observed in 1/34346 chromosomes of the Latino subpopulation in the large and broad cohorts of the Genome Aggregation Database. The variant has not been reported in ClinVar. In silico tools suggest the variant may potentially have an impact on splicing, though these predictions have not been confirmed by functional studies. The evidence is insufficient to meet ACMG/AMP criteria for classifying the variant as benign or pathogenic. Thus, the clinical significance of this variant is currently uncertain.